The following is an entry in ClinVar:

ClinVar aggregate classification (germline): Uncertain significance (0 of 4 stars; one submission).

Conditions:
Wiskott-Aldrich syndrome (WAS). Also called: ALDRICH SYNDROME; IMMUNODEFICIENCY 2; Wiskott-aldrich syndrome, somatic; WISKOTT-ALDRICH SYNDROME 1. Identifiers: Orphanet 906, MedGen C0043194, MONDO:0010518, OMIM 301000.

Allele frequency attached by ClinVar (database versions not stated): gnomAD exomes 0.00001.
gnomAD v4.1: 3 of 1,194,584 alleles (0.00025%); highest among the groups gnomAD compares: Non-Finnish European, 0.00034%; no homozygotes.

Submission:

ISTH-SSC Genomics in Thrombosis and Hemostasis, KU Leuven, Center for Molecular and Vascular Biology
Classification: Uncertain significance for Wiskott-Aldrich syndrome. Review status: no assertion criteria provided. Collection method: research. Allele origin: unknown. Affected: yes.
Comment: Submitted to GoldVariant by Dr Karyn Mégy from NIHR Bioresource - Cambridge University, UK

NM_000377.3(WAS):c.445A>T (p.Asn149Tyr)

Gene: WAS (WASP actin nucleation promoting factor; plus strand). Cytogenetic location: Xp11.23.
Variant type: single nucleotide variant.
Coding change: c.445A>T on transcript NM_000377.3 (MANE Select); coding-DNA position 445, A replaced by T.
Protein change: p.Asn149Tyr; replaces asparagine 149 with tyrosine.
Molecular consequence: missense variant.
Genome position (GRCh38, 1-based): chrX:48,685,818, A>T. VCF-style: chrX-48685818-A-T. GRCh37 (hg19) VCF-style: chrX-48544207-A-T.
Other names: short protein forms N149Y.
Identifiers: ClinVar variation 1684333 (VCV001684333.1), dbSNP rs2147263992, ClinGen allele CA412868139.